The following is an entry in ClinVar:

ClinVar aggregate classification (germline): Likely pathogenic. Review status: criteria provided, single submitter (1 of 4 stars). 2 submissions from 2 submitters: Likely pathogenic (1). 1 of the submissions does not count toward it. Last evaluated 2024-06-15.

Submissions (2):

Labcorp Genetics (formerly Invitae), Labcorp
Classification: Likely pathogenic. Last evaluated: 2024-06-15. Review status: criteria provided, single submitter. Criteria: Invitae Variant Classification Sherloc (09022015). Collection method: clinical testing. Allele origin: germline.
Comment: This sequence change affects an acceptor splice site in intron 15 of the KMT2A gene. It is expected to disrupt RNA splicing. Variants that disrupt the donor or acceptor splice site typically lead to a loss of protein function (PMID: 16199547), and loss-of-function variants in KMT2A are known to be pathogenic (PMID: 22795537, 25810209, 29574747). This variant is not present in population databases (gnomAD no frequency). This variant has not been reported in the literature in individuals affected with KMT2A-related conditions. ClinVar contains an entry for this variant (Variation ID: 545047). Algorithms developed to predict the effect of sequence changes on RNA splicing suggest that this variant may disrupt the consensus splice site. In summary, the currently available evidence indicates that the variant is pathogenic, but additional data are needed to prove that conclusively. Therefore, this variant has been classified as Likely Pathogenic.

Laboratory of Molecular Genetics (Pr. Bezieau's lab), CHU de Nantes
Classification: Pathogenic. Last evaluated: 2016-11-03. Review status: no assertion criteria provided. Collection method: clinical testing. Allele origin: germline. Affected: yes. Not counted in ClinVar's aggregate classification.

Literature cited by the submitters: PubMed 16199547 (cited by Labcorp Genetics (formerly Invitae), Labcorp); PubMed 22795537 (cited by Labcorp Genetics (formerly Invitae), Labcorp); PubMed 25810209 (cited by Labcorp Genetics (formerly Invitae), Labcorp); PubMed 29574747 (cited by Labcorp Genetics (formerly Invitae), Labcorp).

NM_001197104.2(KMT2A):c.5005-2A>G

Gene: KMT2A (lysine methyltransferase 2A; plus strand). Cytogenetic location: 11q23.3.
Variant type: single nucleotide variant.
Coding change: c.5005-2A>G on transcript NM_001197104.2 (MANE Select); the canonical splice acceptor site of the intron before coding-DNA position 5005, A replaced by G.
Molecular consequence: splice acceptor variant.
Genome position (GRCh38, 1-based): chr11:118,493,055, A>G. VCF-style: chr11-118493055-A-G. GRCh37 (hg19) VCF-style: chr11-118363770-A-G.
Other names: c.5095-2A>G (NM_001412597.1); c.4996-2A>G (NM_005933.4).
Identifiers: ClinVar variation 545047 (VCV000545047.3), dbSNP rs1555042987, ClinGen allele CA382836531.